The following is an entry in ClinVar:

ClinVar aggregate classification (germline): Uncertain significance. Review status: criteria provided, multiple submitters, no conflicts (2 of 4 stars). 2 submissions from 2 submitters: Uncertain significance (2). Last evaluated 2022-06-20.

Conditions:
Inborn genetic diseases. Identifiers: MedGen C0950123, MeSH D030342.

gnomAD v4.1: 10 of 1,613,768 alleles (0.00062%); highest among the groups gnomAD compares: Admixed American, 0.0067%; no homozygotes.

Submissions (2):

Labcorp Genetics (formerly Invitae), Labcorp
Classification: Uncertain significance. Last evaluated: 2022-06-20. Review status: criteria provided, single submitter. Criteria: Invitae Variant Classification Sherloc (09022015). Collection method: clinical testing. Allele origin: germline.
Comment: In summary, the available evidence is currently insufficient to determine the role of this variant in disease. Therefore, it has been classified as a Variant of Uncertain Significance. Algorithms developed to predict the effect of missense changes on protein structure and function output the following: SIFT: "Tolerated"; PolyPhen-2: "Benign"; Align-GVGD: "Class C0". The histidine amino acid residue is found in multiple mammalian species, which suggests that this missense change does not adversely affect protein function. This variant has not been reported in the literature in individuals affected with TFRC-related conditions. This variant is present in population databases (rs775554571, gnomAD 0.007%). This sequence change replaces arginine, which is basic and polar, with histidine, which is basic and polar, at codon 155 of the TFRC protein (p.Arg155His).

Ambry Genetics
Classification: Uncertain significance for Inborn genetic diseases. Last evaluated: 2021-11-05. Review status: criteria provided, single submitter. Criteria: Ambry Variant Classification Scheme 2023. Collection method: clinical testing. Allele origin: germline.

NM_001128148.3(TFRC):c.464G>A (p.Arg155His)

Gene: TFRC (transferrin receptor; minus strand). Cytogenetic location: 3q29.
Variant type: single nucleotide variant.
Coding change: c.464G>A on transcript NM_001128148.3 (MANE Select); coding-DNA position 464, G replaced by A.
Protein change: p.Arg155His; replaces arginine 155 with histidine.
Molecular consequence: missense variant. On other transcripts: 5 prime UTR variant (1).
Genome position (GRCh38, 1-based): chr3:196,072,123, C>T on the plus strand (G>A on the coding strand, the complement: TFRC is on the minus strand). VCF-style: chr3-196072123-C-T. GRCh37 (hg19) VCF-style: chr3-195798994-C-T.
Other names: c.221G>A, p.Arg74His (NM_001313965.2); c.-383G>A (NM_001313966.2); c.464G>A, p.Arg155His (NM_003234.4); short protein forms R155H, R74H.
Identifiers: ClinVar variation 1958873 (VCV001958873.6), dbSNP rs775554571, ClinGen allele CA2778292.